The following is an entry in ClinVar:

ClinVar aggregate classification (germline): Pathogenic (1 of 4 stars; one submission).

Conditions:
Neurofibromatosis, type 1 (NF1). Also called: VON RECKLINGHAUSEN DISEASE; Peripheral type neurofibromatosis; NEUROFIBROMATOSIS, TYPE I, SOMATIC; Neurofibromatosis, type I. Identifiers: Orphanet 636, MedGen C0027831, MONDO:0018975, OMIM 162200. Disease mechanism: loss of function.

Submission:

Labcorp Genetics (formerly Invitae), Labcorp
Classification: Pathogenic for Neurofibromatosis, type 1. Last evaluated: 2020-07-20. Review status: criteria provided, single submitter. Criteria: Invitae Variant Classification Sherloc (09022015). Collection method: clinical testing. Allele origin: germline.
Comment: This variant is a gross deletion of the genomic region encompassing exons 1-5 of the NF1 gene, which includes the initiator codon. The 5' end of this event is unknown as it extends beyond the assayed region for this gene and therefore may encompass additional genes. The 3' boundary is likely confined to intron 5 of the NF1 gene. This is expected to result in an absent or disrupted protein product. This variant has not been reported in the literature in individuals with NF1-related conditions. Loss-of-function variants in NF1 are known to be pathogenic (PMID: 10712197, 23913538). For these reasons, this variant has been classified as Pathogenic.

Literature cited by the submitters: PubMed 10712197; PubMed 23913538.

NC_000017.10:g.(?_29422308)_(29497035_?)del

Gene: NF1 (neurofibromin 1; plus strand). Cytogenetic location: 17q11.2.
Variant type: Deletion.
Identifiers: ClinVar variation 1072080 (VCV001072080.1).